The following is an entry in ClinVar:

NM_001244008.2(KIF1A):c.2116+6G>A

Gene: KIF1A (kinesin family member 1A; minus strand). Cytogenetic location: 2q37.3.
Variant type: single nucleotide variant.
Coding change: c.2116+6G>A on transcript NM_001244008.2 (MANE Select); 6 bases into the intron after coding-DNA position 2116, G replaced by A.
Molecular consequence: intron variant.
Genome position (GRCh38, 1-based): chr2:240,762,713, C>T on the plus strand (G>A on the coding strand, the complement: KIF1A is on the minus strand). VCF-style: chr2-240762713-C-T. GRCh37 (hg19) VCF-style: chr2-241702130-C-T.
Other names: c.2089+6G>A (NM_001379653.1, NM_001379650.1, NM_001379645.1 and 10 more transcripts); c.2191+6G>A (NM_001379635.1, NM_001330290.2, NM_001379646.1 and 2 more transcripts); c.2164+6G>A (NM_001379637.1, NM_001379648.1); c.2116+6G>A (NM_001320705.2, NM_001379638.1, NM_001330289.2).
Identifiers: ClinVar variation 2926223 (VCV002926223.3), dbSNP rs767737572, ClinGen allele CA2577301505.

ClinVar aggregate classification (germline): Uncertain significance (1 of 4 stars; one submission).

Conditions:
Neuropathy, hereditary sensory, type 2C. Also called: Hereditary sensory and autonomic neuropathy type IIC; KIF1A-Related HSAN2 (HSAN2C). Identifiers: Orphanet 970, MedGen C3280168, MONDO:0013634, OMIM 614213.
Hereditary spastic paraplegia 30. Identifiers: Orphanet 101010, MedGen C5235139, MONDO:0012476.
Intellectual disability, autosomal dominant 9 (NESCAVS). Also called: NESCAV SYNDROME; KIF1A-Related Neurodevelopmental Disorder. Identifiers: Orphanet 662367, MedGen C5393830, MONDO:0013656, OMIM 614255.

gnomAD v4.1: 1 of 1,584,334 alleles (0.000063%); highest among the groups gnomAD compares: Non-Finnish European, 0.000086%; no homozygotes.

Submission:

Labcorp Genetics (formerly Invitae), Labcorp
Classification: Uncertain significance for Hereditary spastic paraplegia 30; Neuropathy, hereditary sensory, type 2C; Intellectual disability, autosomal dominant 9. Last evaluated: 2023-04-29. Review status: criteria provided, single submitter. Criteria: Invitae Variant Classification Sherloc (09022015). Collection method: clinical testing. Allele origin: germline.
Comment: In summary, the available evidence is currently insufficient to determine the role of this variant in disease. Therefore, it has been classified as a Variant of Uncertain Significance. Variants that disrupt the consensus splice site are a relatively common cause of aberrant splicing (PMID: 17576681, 9536098). Algorithms developed to predict the effect of sequence changes on RNA splicing suggest that this variant is not likely to affect RNA splicing. This variant has not been reported in the literature in individuals affected with KIF1A-related conditions. This variant is not present in population databases (gnomAD no frequency). This sequence change falls in intron 21 of the KIF1A gene. It does not directly change the encoded amino acid sequence of the KIF1A protein. It affects a nucleotide within the consensus splice site.

Literature cited by the submitters: PubMed 17576681; PubMed 9536098.